The following is an entry in ClinVar:

NM_004415.4(DSP):c.2241del (p.Phe747fs)

Gene: DSP (desmoplakin; plus strand). Cytogenetic location: 6p24.3.
Variant type: Deletion.
Coding change: c.2241del on transcript NM_004415.4 (MANE Select); coding-DNA position 2241, one base deleted (T; older notation c.2241delT).
Protein change: p.Phe747fs; shifts the reading frame from phenylalanine 747.
Molecular consequence: frameshift variant.
Genome position (GRCh38, 1-based): chr6:7,574,196, T deleted; the last of 3 consecutive T bases (chr6:7,574,194-7,574,196); deleting any one gives the same sequence. VCF-style (leftmost placement, unchanged base first): chr6-7574193-AT-A. GRCh37 (hg19) VCF-style: chr6-7574426-AT-A.
Other names: c.2241del, p.Phe747fs (NM_001008844.3, NM_001319034.2); short protein forms F747fs.
Identifiers: ClinVar variation 3382672 (VCV003382672.3).

ClinVar aggregate classification (germline): Likely pathogenic (1 of 4 stars; one submission).

Conditions:
Arrhythmogenic right ventricular dysplasia 8 (ARVD8). Also called: ARRHYTHMOGENIC RIGHT VENTRICULAR DYSPLASIA, FAMILIAL, 8; ARRHYTHMOGENIC RIGHT VENTRICULAR CARDIOMYOPATHY 8; Arrhythmogenic Right Ventricular Dysplasia/Cardiomyopathy 8. Identifiers: MedGen C1843896, MONDO:0011831, OMIM 607450.
Arrhythmogenic cardiomyopathy with wooly hair and keratoderma. Also called: Dilated cardiomyopathy with woolly hair and keratoderma; PALMOPLANTAR KERATODERMA WITH LEFT VENTRICULAR CARDIOMYOPATHY AND WOOLLY HAIR; Carvajal syndrome; Arrhythmogenic cardiomyopathy with woolly hair and keratoderma. Identifiers: Orphanet 65282, MedGen C1854063, MONDO:0011581, OMIM 605676.
Cardiomyopathy, dilated, with wooly hair, keratoderma, and tooth agenesis. Also called: Cardiomyopathy, dilated, with woolly hair, keratoderma, and tooth agenesis; Erythrokeratodermia-cardiomyopathy syndrome. Identifiers: Orphanet 476096, Orphanet 65282, MedGen C4014393, MONDO:0014355, OMIM 615821.
Keratosis palmoplantaris striata 2. Also called: Keratosis palmoplantaris striata II; KERATODERMA, PALMOPLANTAR, STRIATE FORM II; STRIATE PALMOPLANTAR KERATODERMA II. Identifiers: MedGen C1852127, MONDO:0013034, OMIM 612908.
Lethal acantholytic epidermolysis bullosa (EBLA). Identifiers: Orphanet 158687, MedGen C1864826, MONDO:0012323, OMIM 609638.

Submission:

Juno Genomics, Hangzhou Juno Genomics, Inc
Classification: Likely pathogenic for Arrhythmogenic right ventricular dysplasia 8; Arrhythmogenic cardiomyopathy with wooly hair and keratoderma; Cardiomyopathy, dilated, with wooly hair, keratoderma, and tooth agenesis; Lethal acantholytic epidermolysis bullosa; Keratosis palmoplantaris striata 2. Review status: criteria provided, single submitter. Criteria: ACMG Guidelines, 2015. Collection method: clinical testing. Allele origin: germline.
Comment: Absent from controls (or at extremely low frequency if recessive) in Genome Aggregation Database.;Null variant in a gene where loss of function (LOF) is a known mechanism of disease.